The following is an entry in ClinVar:

ClinVar aggregate classification (germline): Benign. Review status: criteria provided, multiple submitters, no conflicts (2 of 4 stars). 4 submissions from 3 submitters: Benign (4). Last evaluated 2021-10-25.

Conditions:
Charcot-Marie-Tooth disease recessive intermediate C. Also called: CHARCOT-MARIE-TOOTH NEUROPATHY, RECESSIVE INTERMEDIATE C. Identifiers: Orphanet 369867, MedGen C3809309, MONDO:0014154, OMIM 615376.
Neuronopathy, distal hereditary motor, autosomal recessive 4. Also called: NEUROPATHY, DISTAL HEREDITARY MOTOR, AUTOSOMAL RECESSIVE 4; Autosomal recessive lower motor neuron disease with childhood onset. Identifiers: Orphanet 206580, MedGen C1970211, MONDO:0012608, OMIM 611067.

Allele frequency attached by ClinVar (database versions not stated): gnomAD exomes 0.85948 and 0.87209; TOPMed 0.76760; gnomAD 0.77574 and 0.78259; ExAC 0.85230; 1000 Genomes Project 0.74601; ESP Exome Variant Server 0.77437.
gnomAD v4.1: 1,345,434 of 1,559,840 alleles (86%); highest among the groups gnomAD compares: Admixed American, 91%; 585,115 homozygotes.

Submissions (4):

Genome-Nilou Lab
Classification: Benign for Charcot-Marie-Tooth disease recessive intermediate C. Last evaluated: 2021-10-25. Review status: criteria provided, single submitter. Criteria: ACMG Guidelines, 2015. Collection method: clinical testing. Allele origin: germline. Affected: no.

Genome-Nilou Lab
Classification: Benign for Neuronopathy, distal hereditary motor, autosomal recessive 4. Last evaluated: 2021-10-25. Review status: criteria provided, single submitter. Criteria: ACMG Guidelines, 2015. Collection method: clinical testing. Allele origin: germline. Affected: no.

GeneDx
Classification: Benign. Last evaluated: 2016-01-06. Review status: criteria provided, single submitter. Criteria: GeneDx Variant Classification (06012015). Collection method: clinical testing. Allele origin: germline. Affected: yes.
Comment: This variant is considered likely benign or benign based on one or more of the following criteria: it is a conservative change, it occurs at a poorly conserved position in the protein, it is predicted to be benign by multiple in silico algorithms, and/or has population frequency not consistent with disease.

Breakthrough Genomics
Classification: Benign. Review status: criteria provided, single submitter. Criteria: ACMG Guidelines, 2015. Collection method: not provided. Allele origin: germline. Inheritance: Autosomal recessive inheritance. Affected: yes.

NM_198681.4(PLEKHG5):c.-267G>A

Gene: PLEKHG5 (pleckstrin homology and RhoGEF domain containing G5; minus strand). Cytogenetic location: 1p36.31.
Variant type: single nucleotide variant.
Coding change: c.-267G>A on transcript NM_198681.4; 267 bases upstream of the start codon, G replaced by A.
Molecular consequence: 5 prime UTR variant.
Genome position (GRCh38, 1-based): chr1:6,519,547, C>T on the plus strand (G>A on the coding strand, the complement: PLEKHG5 is on the minus strand). VCF-style: chr1-6519547-C-T. GRCh37 (hg19) VCF-style: chr1-6579607-C-T.
Identifiers: ClinVar variation 380860 (VCV000380860.6), dbSNP rs1556035, ClinGen allele CA562176.